The following is an entry in ClinVar:

NM_007294.4(BRCA1):c.135-4A>C

Gene: BRCA1 (BRCA1 DNA repair associated; minus strand). Cytogenetic location: 17q21.31.
Variant type: single nucleotide variant.
Coding change: c.135-4A>C on transcript NM_007294.4 (MANE Select); 4 bases into the intron before coding-DNA position 135, A replaced by C.
Molecular consequence: intron variant.
Genome position (GRCh38, 1-based): chr17:43,106,537, T>G on the plus strand (A>C on the coding strand, the complement: BRCA1 is on the minus strand). VCF-style: chr17-43106537-T-G. GRCh37 (hg19) VCF-style: chr17-41258554-T-G.
Other names: c.-7-4A>C (NM_001408458.1, NM_001407931.1, NM_001407747.1 and 99 more transcripts); c.-218-11677A>C (NM_001407967.1, NM_001407966.1); c.-169-1581A>C (NM_001407959.1, NM_001407962.1, NM_001408512.1 and 4 more transcripts); c.-54-4A>C (NM_001407885.1, NM_001407886.1, NM_001407898.1 and 58 more transcripts); c.135-4A>C (NM_001407686.1, NM_001408397.1, NM_001407632.1 and 167 more transcripts); c.81-1581A>C (NM_001408451.1); c.135-1581A>C (NM_001408475.1, NM_001407875.1, NM_001407659.1 and 21 more transcripts).
Identifiers: ClinVar variation 865185 (VCV000865185.3), dbSNP rs1597900683, ClinGen allele CA916080914.

Conditions:
Breast-ovarian cancer, familial, susceptibility to, 1 (BROVCA1). Also called: BRCA1 Hereditary Breast and Ovarian Cancer; OVARIAN CANCER, SUSCEPTIBILITY TO. Identifiers: Orphanet 145, MedGen C2676676, MONDO:0011450, OMIM 604370. Disease mechanism: loss of function.

Submission:

Brotman Baty Institute, University of Washington
No classification provided (evidence only). Condition: Breast-ovarian cancer, familial 1. Review status: no classification provided. Collection method: in vitro. Allele origin: not applicable. Functional consequence: functionally_normal.
ClinVar note: "not provided" was previously submitted as the classification for the variant. However, the classification appeared to be based only on an observation of functional data so it was converted to no classification on 2025-07-30.